The following is an entry in ClinVar:

ClinVar aggregate classification (germline): Benign (1 of 4 stars; one submission).

Conditions:
Leigh syndrome (NULS). Also called: Leigh's necrotizing encephalopathy; Leigh's disease; Leigh's syndrome; LEIGH SYNDROME, NUCLEAR; Leigh Syndrome (mtDNA deletion); Leigh Disease. Identifiers: Orphanet 506, MedGen C2931891, MONDO:0009723, OMIM 256000.

Submission:

Wong Mito Lab, Molecular and Human Genetics, Baylor College of Medicine
Classification: Benign for Leigh syndrome. Last evaluated: 2019-10-17. Review status: criteria provided, single submitter. Criteria: Modified ACMG Guidelines (Unpublished). Collection method: clinical testing. Allele origin: germline.
Comment: The NC_012920.1:m.13630A>G (YP_003024036.1:p.Thr432Ala) variant in MTND5 gene is interpretated to be a Benign variant based on the modified ACMG guidelines (unpublished). This variant meets the following evidence codes: BS1, BS2, BP4

NC_012920.1(MT-ND5):m.13630A>G

Gene: MT-ND5 (mitochondrially encoded NADH dehydrogenase 5; plus strand).
Variant type: single nucleotide variant.
Genome position: chrM-13630-A-G.
Identifiers: ClinVar variation 693582 (VCV000693582.1), dbSNP rs1556424302, ClinGen allele CA414818829.